The following is an entry in ClinVar:

NC_012920.1(MT-ND2):m.5105T>C

Gene: MT-ND2 (mitochondrially encoded NADH dehydrogenase 2; plus strand).
Variant type: single nucleotide variant.
Genome position: chrM-5105-T-C.
Identifiers: ClinVar variation 376792 (VCV000376792.3), dbSNP rs1057520057, ClinGen allele CA16603169.

ClinVar aggregate classification (germline): Uncertain significance (1 of 4 stars; one submission).

Submission:

Center for Pediatric Genomic Medicine, Children's Mercy Hospital and Clinics
Classification: Uncertain significance. Last evaluated: 2017-01-04. Review status: criteria provided, single submitter. Criteria: ACMG Guidelines, 2015. Collection method: clinical testing. Allele origin: germline.
ClinVar note: Converted during submission from Uncertain Significance to Uncertain significance.